The following is an entry in ClinVar:

ClinVar aggregate classification (germline): Uncertain significance (1 of 4 stars; one submission).

Conditions:
Deficiency of ferroxidase (ACEP). Also called: Deficiency of ceruloplasmin; NEURODEGENERATION WITH BRAIN IRON ACCUMULATION 10; Aceruloplasminemia; Ceruloplasmin deficiency; Familial apoceruloplasmin deficiency; Hereditary ceruloplasmin deficiency. Identifiers: Orphanet 48818, MedGen C0878682, MONDO:0011426, OMIM 604290, HP:0025498.

Submission:

Labcorp Genetics (formerly Invitae), Labcorp
Classification: Uncertain significance for Deficiency of ferroxidase. Last evaluated: 2022-06-04. Review status: criteria provided, single submitter. Criteria: Invitae Variant Classification Sherloc (09022015). Collection method: clinical testing. Allele origin: germline.
Comment: Experimental studies and prediction algorithms are not available or were not evaluated, and the functional significance of this variant is currently unknown. In summary, the available evidence is currently insufficient to determine the role of this variant in disease. Therefore, it has been classified as a Variant of Uncertain Significance. Algorithms developed to predict the effect of sequence changes on RNA splicing suggest that this variant may disrupt the consensus splice site. This variant has not been reported in the literature in individuals affected with CP-related conditions. This variant is present in population databases (rs759315393, gnomAD 0.003%). This variant, c.1958_1963del, results in the deletion of 2 amino acid(s) of the CP protein (p.Ala653_Asp654del), but otherwise preserves the integrity of the reading frame.

NM_000096.4(CP):c.1958_1963del (p.Ala653_Asp654del)

Gene: CP (ceruloplasmin; minus strand). Cytogenetic location: 3q24.
Variant type: Deletion.
Coding change: c.1958_1963del on transcript NM_000096.4 (MANE Select); coding-DNA positions 1958 to 1963, 6 bases deleted (CCGATG; older notation c.1958_1963delCCGATG).
Protein change: p.Ala653_Asp654del.
Molecular consequence: inframe deletion.
Genome position (GRCh38, 1-based): chr3:149,186,634-149,186,639, CATCGG deleted on the plus strand (CCGATG on the coding strand, the reverse complement: CP is on the minus strand); deleting any 6 consecutive bases within chr3:149,186,634-149,186,640 gives the same sequence; the c. name uses the placement nearest the transcript's 3' end. VCF-style (leftmost placement, unchanged base first): chr3-149186633-ACATCGG-A. GRCh37 (hg19) VCF-style: chr3-148904420-ACATCGG-A.
Identifiers: ClinVar variation 2061890 (VCV002061890.4), dbSNP rs759315393, ClinGen allele CA2660868.